The following is an entry in ClinVar:

NM_001035.3(RYR2):c.451G>A (p.Glu151Lys)

Gene: RYR2 (ryanodine receptor 2; plus strand). Cytogenetic location: 1q43.
Variant type: single nucleotide variant.
Coding change: c.451G>A on transcript NM_001035.3 (MANE Select); coding-DNA position 451, G replaced by A.
Protein change: p.Glu151Lys; replaces glutamic acid 151 with lysine.
Molecular consequence: missense variant.
Genome position (GRCh38, 1-based): chr1:237,374,783, G>A. VCF-style: chr1-237374783-G-A. GRCh37 (hg19) VCF-style: chr1-237538083-G-A.
Other names: short protein forms E151K.
Identifiers: ClinVar variation 4708738 (VCV004708738.1).
Genomic context (GRCh38, chr1:237,374,783, plus strand): 5'-TGCTGCCTGTCCACCTCCCGGTCTTCAACTGATAAGCTGGCTTTTGATGTTGGCTTGCAA[G>A]AGGACACCACAGGTAAGCATCTTGTGCTGCGGGAAGCCAGGTTCAGAGAGAACCCTGCAG-3'
Protein context (NP_001026.2, residues 141-161): DKLAFDVGLQ[Glu151Lys]DTTGEACWWT

ClinVar aggregate classification (germline): Uncertain significance (1 of 4 stars; one submission).

Conditions:
Catecholaminergic polymorphic ventricular tachycardia 1. Also called: RYR2-Related Catecholaminergic Polymorphic Ventricular Tachycardia; VENTRICULAR TACHYCARDIA, CATECHOLAMINERGIC POLYMORPHIC, 1, WITH OR WITHOUT ATRIAL DYSFUNCTION AND/OR DILATED CARDIOMYOPATHY; VENTRICULAR TACHYCARDIA, STRESS-INDUCED POLYMORPHIC 1. Identifiers: Orphanet 3286, MedGen C1631597, MONDO:0011484, OMIM 604772.

Submission:

Labcorp Genetics (formerly Invitae), Labcorp
Classification: Uncertain significance for Catecholaminergic polymorphic ventricular tachycardia 1. Last evaluated: 2025-09-25. Review status: criteria provided, single submitter. Criteria: Invitae Variant Classification Sherloc (09022015). Collection method: clinical testing. Allele origin: germline.
Comment: This sequence change replaces glutamic acid, which is acidic and polar, with lysine, which is basic and polar, at codon 151 of the RYR2 protein (p.Glu151Lys). This variant is not present in population databases (gnomAD no frequency). This variant has not been reported in the literature in individuals affected with RYR2-related conditions. Invitae Evidence Modeling of protein sequence and biophysical properties (such as structural, functional, and spatial information, amino acid conservation, physicochemical variation, residue mobility, and thermodynamic stability) has been performed for this missense variant. However, the output from this modeling did not meet the statistical confidence thresholds required to predict the impact of this variant on RYR2 protein function. In summary, the available evidence is currently insufficient to determine the role of this variant in disease. Therefore, it has been classified as a Variant of Uncertain Significance.